The following is an entry in ClinVar:

ClinVar aggregate classification (germline): Likely benign (0 of 4 stars; one submission).

Conditions:
NCOA1-related disorder. Also called: NCOA1-related condition.

Allele frequency attached by ClinVar (database versions not stated): ExAC 0.00005; 1000 Genomes Project 30x 0.00016; 1000 Genomes Project 0.00020; gnomAD 0.00002; TOPMed 0.00002; gnomAD exomes 0.00004.
gnomAD v4.1: 59 of 1,614,070 alleles (0.0037%); highest among the groups gnomAD compares: South Asian, 0.033%; no homozygotes.

Submission:

PreventionGenetics, part of Exact Sciences
Classification: Likely benign for NCOA1-related condition. Last evaluated: 2023-11-30. Review status: no assertion criteria provided. Collection method: clinical testing. Allele origin: germline.
Comment: This variant is classified as likely benign based on ACMG/AMP sequence variant interpretation guidelines (Richards et al. 2015 PMID: 25741868, with internal and published modifications).

NM_003743.5(NCOA1):c.2910A>G (p.Ser970=)

Gene: NCOA1 (nuclear receptor coactivator 1; plus strand). Cytogenetic location: 2p23.3.
Variant type: single nucleotide variant.
Coding change: c.2910A>G on transcript NM_003743.5 (MANE Select); coding-DNA position 2910, A replaced by G.
Protein change: p.Ser970=; no amino-acid change (serine 970 retained).
Molecular consequence: synonymous variant.
Genome position (GRCh38, 1-based): chr2:24,729,524, A>G. VCF-style: chr2-24729524-A-G. GRCh37 (hg19) VCF-style: chr2-24952393-A-G.
Other names: c.2910A>G, p.Ser970= (NM_001362950.1, NM_001362952.1, NM_001362954.1 and 3 more transcripts).
Identifiers: ClinVar variation 3029254 (VCV003029254.2), dbSNP rs561735649, ClinGen allele CA1552530.